The following is an entry in ClinVar:

ClinVar aggregate classification (germline): Likely benign. Review status: criteria provided, single submitter (1 of 4 stars). 2 submissions from 2 submitters: Likely benign (1). 1 of the submissions does not count toward it. Last evaluated 2026-05-01.

Conditions:
SLIT3-related disorder. Also called: SLIT3-related condition.

Allele frequency attached by ClinVar (database versions not stated): 1000 Genomes Project 30x 0.00078; 1000 Genomes Project 0.00100; ExAC 0.00323; gnomAD 0.00354; TOPMed 0.00357; ESP Exome Variant Server 0.00446; gnomAD exomes 0.00486.
gnomAD v4.1: 7,676 of 1,611,708 alleles (0.48%); highest among the groups gnomAD compares: Non-Finnish European, 0.58%; 27 homozygotes.

Submissions (2):

CeGaT Center for Human Genetics Tuebingen
Classification: Likely benign. Last evaluated: 2026-05-01. Review status: criteria provided, single submitter. Criteria: CeGaT Center For Human Genetics Tuebingen Variant Classification Criteria Version 2. Collection method: clinical testing. Allele origin: germline. Affected: yes. Observed: 14 variant alleles.
Comment: SLIT3: BP4, BP7, BS2

PreventionGenetics, part of Exact Sciences
Classification: Likely benign for SLIT3-related condition. Last evaluated: 2022-12-30. Review status: no assertion criteria provided. Collection method: clinical testing. Allele origin: germline. Not counted in ClinVar's aggregate classification.
Comment: This variant is classified as likely benign based on ACMG/AMP sequence variant interpretation guidelines (Richards et al. 2015 PMID: 25741868, with internal and published modifications).

NM_003062.4(SLIT3):c.4506G>A (p.Thr1502=)

Gene: SLIT3 (slit guidance ligand 3; minus strand). Cytogenetic location: 5q34.
Variant type: single nucleotide variant.
Coding change: c.4506G>A on transcript NM_003062.4 (MANE Select); coding-DNA position 4506, G replaced by A.
Protein change: p.Thr1502=; no amino-acid change (threonine 1502 retained).
Molecular consequence: synonymous variant.
Genome position (GRCh38, 1-based): chr5:168,666,520, C>T on the plus strand (G>A on the coding strand, the complement: SLIT3 is on the minus strand). VCF-style: chr5-168666520-C-T. GRCh37 (hg19) VCF-style: chr5-168093525-C-T.
Other names: c.4527G>A (NM_001271946.1); c.4527G>A, p.Thr1509= (NM_001271946.2).
Identifiers: ClinVar variation 2656043 (VCV002656043.25), dbSNP rs143047334, ClinGen allele CA3550579.
Genomic context (GRCh38, chr5:168,666,520, plus strand): 5'-ACACGCGAGGCAGCCGCACTCTAAGTGTCTCTCCACCTCTTCTACAAACGAGGAGCCGTC[C>T]GTGCACTGGAAGACGTATTTCCGCCGCTTGCTGCGGGTGGGCTGGCAGCACTGGGGCCCA-3'
Protein context (NP_003053.2, residues 1492-1512): SKRRKYVFQC[Thr1502=]DGSSFVEEVE